The following is an entry in ClinVar:

NM_152743.4(BRAT1):c.1640C>T (p.Pro547Leu)

Gene: BRAT1 (BRCA1 associated ATM activator 1; minus strand). Cytogenetic location: 7p22.3.
Variant type: single nucleotide variant.
Coding change: c.1640C>T on transcript NM_152743.4 (MANE Select); coding-DNA position 1640, C replaced by T.
Protein change: p.Pro547Leu; replaces proline 547 with leucine.
Molecular consequence: missense variant. On other transcripts: non-coding transcript variant (1).
Genome position (GRCh38, 1-based): chr7:2,539,309, G>A on the plus strand (C>T on the coding strand, the complement: BRAT1 is on the minus strand). VCF-style: chr7-2539309-G-A. GRCh37 (hg19) VCF-style: chr7-2578943-G-A.
Other names: c.1640C>T, p.Pro547Leu (NM_001350626.2); c.1115C>T, p.Pro372Leu (NM_001350627.2); short protein forms P372L, P547L.
Identifiers: ClinVar variation 969512 (VCV000969512.7), dbSNP rs780366274, ClinGen allele CA4127640.
Genomic context (GRCh38, chr7:2,539,309, plus strand): 5'-GTCACTGCACTCGCTCGGACATAACTCTCAGGGTCCTGGAGGAGCTGCAGGGCCAGCTGA[G>A]GCACCTCTGAAGCCAAGAGTGCGCATCTGAAGTCAGCCTGTCCTGGGGGTCGAAACGGCC-3'
Protein context (NP_689956.2, residues 537-557): FRCALLASEV[Pro547Leu]QLALQLLQDP

ClinVar aggregate classification (germline): Uncertain significance. Review status: criteria provided, multiple submitters, no conflicts (2 of 4 stars). 2 submissions from 2 submitters: Uncertain significance (2). Last evaluated 2023-12-28.

Conditions:
Inborn genetic diseases. Identifiers: MedGen C0950123, MeSH D030342.
Neonatal-onset encephalopathy with rigidity and seizures. Also called: Lethal neonatal spasticity-epileptic encephalopathy syndrome. Identifiers: Orphanet 435845, MedGen C3281029, MONDO:0013784, OMIM 614498.

Allele frequency attached by ClinVar (database versions not stated): gnomAD 0.00001; TOPMed 0.00001.
gnomAD v4.1: 6 of 1,611,852 alleles (0.00037%); highest among the groups gnomAD compares: East Asian, 0.0022%; no homozygotes.

Submissions (2):

Ambry Genetics
Classification: Uncertain significance for Inborn genetic diseases. Last evaluated: 2023-12-28. Review status: criteria provided, single submitter. Criteria: Ambry Variant Classification Scheme 2023. Collection method: clinical testing. Allele origin: germline.

Labcorp Genetics (formerly Invitae), Labcorp
Classification: Uncertain significance for Neonatal-onset encephalopathy with rigidity and seizures. Last evaluated: 2021-08-26. Review status: criteria provided, single submitter. Criteria: Invitae Variant Classification Sherloc (09022015). Collection method: clinical testing. Allele origin: germline.
Comment: This sequence change replaces proline with leucine at codon 547 of the BRAT1 protein (p.Pro547Leu). The proline residue is highly conserved and there is a moderate physicochemical difference between proline and leucine. This variant is present in population databases (rs780366274, ExAC 0.002%). This variant has not been reported in the literature in individuals affected with BRAT1-related conditions. Algorithms developed to predict the effect of missense changes on protein structure and function are either unavailable or do not agree on the potential impact of this missense change (SIFT: "Deleterious"; PolyPhen-2: "Probably Damaging"; Align-GVGD: "Class C15"). In summary, the available evidence is currently insufficient to determine the role of this variant in disease. Therefore, it has been classified as a Variant of Uncertain Significance.